The following is an entry in ClinVar:

ClinVar aggregate classification (germline): Uncertain significance. Review status: criteria provided, multiple submitters, no conflicts (2 of 4 stars). 3 submissions from 3 submitters: Uncertain significance (3). Last evaluated 2023-12-11.

Conditions:
Epilepsy, familial focal, with variable foci 3 (FFEVF3). Identifiers: MedGen C4310708, MONDO:0014925, OMIM 617118.

Allele frequency attached by ClinVar (database versions not stated): gnomAD 0.00001; gnomAD exomes 0.00001 and 0.00003; ExAC 0.00002; TOPMed 0.00002.
gnomAD v4.1: 42 of 1,613,690 alleles (0.0026%); highest among the groups gnomAD compares: Non-Finnish European, 0.0031%; no homozygotes.

Submissions (3):

Laboratorio de Genetica e Diagnostico Molecular, Hospital Israelita Albert Einstein
Classification: Uncertain significance for Epilepsy, familial focal, with variable foci 3. Last evaluated: 2023-12-11. Review status: criteria provided, single submitter. Criteria: ACMG Guidelines, 2015. Collection method: clinical testing. Allele origin: germline. Affected: yes.
Comment: ACMG classification criteria: PM2 moderate, BP4 supporting

Labcorp Genetics (formerly Invitae), Labcorp
Classification: Uncertain significance for Epilepsy, familial focal, with variable foci 3. Last evaluated: 2023-10-22. Review status: criteria provided, single submitter. Criteria: Invitae Variant Classification Sherloc (09022015). Collection method: clinical testing. Allele origin: germline.
Comment: This sequence change replaces serine, which is neutral and polar, with leucine, which is neutral and non-polar, at codon 476 of the NPRL3 protein (p.Ser476Leu). This variant is present in population databases (rs750482582, gnomAD 0.003%). This variant has not been reported in the literature in individuals affected with NPRL3-related conditions. ClinVar contains an entry for this variant (Variation ID: 1186271). Advanced modeling of protein sequence and biophysical properties (such as structural, functional, and spatial information, amino acid conservation, physicochemical variation, residue mobility, and thermodynamic stability) performed at Invitae indicates that this missense variant is not expected to disrupt NPRL3 protein function. In summary, the available evidence is currently insufficient to determine the role of this variant in disease. Therefore, it has been classified as a Variant of Uncertain Significance.

GeneDx
Classification: Uncertain significance. Last evaluated: 2019-08-05. Review status: criteria provided, single submitter. Criteria: GeneDx Variant Classification Process June 2021. Collection method: clinical testing. Allele origin: germline. Affected: yes.
Comment: Not observed at a significant frequency in large population cohorts (Lek et al., 2016); In silico analysis, which includes protein predictors and evolutionary conservation, supports that this variant does not alter protein structure/function; Has not been previously published as pathogenic or benign to our knowledge

NM_001077350.3(NPRL3):c.1427C>T (p.Ser476Leu)

Genes: HBA-LCR (alpha-globin locus control region; plus strand), NPRL3 (NPR3 like, GATOR1 complex subunit; minus strand). Cytogenetic location: 16p13.3.
Variant type: single nucleotide variant.
Coding change: c.1427C>T on transcript NM_001077350.3 (MANE Select); coding-DNA position 1427, C replaced by T.
Protein change: p.Ser476Leu; replaces serine 476 with leucine.
Molecular consequence: missense variant.
Genome position (GRCh38, 1-based): chr16:88,815, G>A on the plus strand (C>T on the coding strand, the complement: NPRL3 is on the minus strand). VCF-style: chr16-88815-G-A. GRCh37 (hg19) VCF-style: chr16-138813-G-A.
Other names: c.890C>T, p.Ser297Leu (NM_001039476.3); c.1193C>T, p.Ser398Leu (NM_001243247.2); c.1352C>T, p.Ser451Leu (NM_001243248.2, NM_001243249.2); short protein forms S297L, S398L, S451L, S476L.
Identifiers: ClinVar variation 1186271 (VCV001186271.8), dbSNP rs750482582, ClinGen allele CA7769331.